The following is an entry in ClinVar:

NM_001351132.2(PEX5):c.1639C>T (p.Arg547Trp)

Gene: PEX5 (peroxisomal biogenesis factor 5; plus strand). Cytogenetic location: 12p13.31.
Variant type: single nucleotide variant.
Coding change: c.1639C>T on transcript NM_001351132.2 (MANE Select); coding-DNA position 1639, C replaced by T.
Protein change: p.Arg547Trp; replaces arginine 547 with tryptophan.
Molecular consequence: missense variant.
Genome position (GRCh38, 1-based): chr12:7,209,761, C>T. VCF-style: chr12-7209761-C-T. GRCh37 (hg19) VCF-style: chr12-7362357-C-T.
Other names: c.1615C>T, p.Arg539Trp (NM_000319.5); c.1684C>T, p.Arg562Trp (NM_001131023.2); c.1528C>T, p.Arg510Trp (NM_001131024.2, NM_001351124.3, NM_001351126.2 and 7 more transcripts); c.1639C>T, p.Arg547Trp (NM_001131025.2, NM_001131026.2, NM_001300789.3 and 4 more transcripts); c.1573C>T, p.Arg525Trp (NM_001351135.3, NM_001351138.2); c.1630C>T, p.Arg544Trp (NM_001351136.2); c.1504C>T, p.Arg502Trp (NM_001351139.2, NM_001351140.2, NM_001374649.2); short protein forms R502W, R544W, R562W, R539W, R547W, R510W, R525W.
Identifiers: ClinVar variation 1429330 (VCV001429330.5), dbSNP rs760402644, ClinGen allele CA6426533.

ClinVar aggregate classification (germline): Uncertain significance (1 of 4 stars; one submission).

Conditions:
Peroxisome biogenesis disorder 2B (PBD2B). Identifiers: Orphanet 44, MedGen C3550234, MONDO:0008736, OMIM 202370.

Allele frequency attached by ClinVar (database versions not stated): gnomAD 0.00001; gnomAD exomes 0.00001; ExAC 0.00002.
gnomAD v4.1: 11 of 1,592,794 alleles (0.00069%); highest among the groups gnomAD compares: Admixed American, 0.0052%; no homozygotes.

Submission:

Labcorp Genetics (formerly Invitae), Labcorp
Classification: Uncertain significance for Peroxisome biogenesis disorder 2B. Last evaluated: 2021-09-01. Review status: criteria provided, single submitter. Criteria: Invitae Variant Classification Sherloc (09022015). Collection method: clinical testing. Allele origin: germline.
Comment: This sequence change replaces arginine with tryptophan at codon 547 of the PEX5 protein (p.Arg547Trp). The arginine residue is moderately conserved and there is a moderate physicochemical difference between arginine and tryptophan. This variant is present in population databases (rs760402644, ExAC 0.009%). This variant has not been reported in the literature in individuals affected with PEX5-related conditions. Algorithms developed to predict the effect of missense changes on protein structure and function are either unavailable or do not agree on the potential impact of this missense change (SIFT: "Deleterious"; PolyPhen-2: "Probably Damaging"; Align-GVGD: "Class C15"). In summary, the available evidence is currently insufficient to determine the role of this variant in disease. Therefore, it has been classified as a Variant of Uncertain Significance.